The following is an entry in ClinVar:

ClinVar aggregate classification (germline): Likely benign (1 of 4 stars; one submission).

Submission:

GeneDx
Classification: Likely benign. Last evaluated: 2016-07-08. Review status: criteria provided, single submitter. Criteria: GeneDx Variant Classification (06012015). Collection method: clinical testing. Allele origin: germline. Affected: yes.
Comment: This variant is considered likely benign or benign based on one or more of the following criteria: it is a conservative change, it occurs at a poorly conserved position in the protein, it is predicted to be benign by multiple in silico algorithms, and/or has population frequency not consistent with disease.

NM_016725.3(FOLR1):c.-9+9C>T

Genes: FOLR1 (folate receptor alpha; plus strand), FOLR1-AS1 (FOLR1 antisense RNA 1; minus strand). Cytogenetic location: 11q13.4.
Variant type: single nucleotide variant.
Coding change: c.-9+9C>T on transcript NM_016725.3; 9 bases into the intron after 9 bases upstream of the start codon, C replaced by T.
Molecular consequence: intron variant.
Genome position (GRCh38, 1-based): chr11:72,189,768, C>T. VCF-style: chr11-72189768-C-T. GRCh37 (hg19) VCF-style: chr11-71900812-C-T.
Other names: c.-75+9C>T (NM_016724.3).
Identifiers: ClinVar variation 387573 (VCV000387573.3), dbSNP rs1057522827, ClinGen allele CA16606321.